The following is an entry in ClinVar:

NM_000256.3(MYBPC3):c.3788G>C (p.Arg1263Pro)

Gene: MYBPC3 (myosin binding protein C3; minus strand). Cytogenetic location: 11p11.2.
Variant type: single nucleotide variant.
Coding change: c.3788G>C on transcript NM_000256.3 (MANE Select); coding-DNA position 3788, G replaced by C.
Protein change: p.Arg1263Pro; replaces arginine 1263 with proline.
Molecular consequence: missense variant.
Genome position (GRCh38, 1-based): chr11:47,332,098, C>G on the plus strand (G>C on the coding strand, the complement: MYBPC3 is on the minus strand). VCF-style: chr11-47332098-C-G. GRCh37 (hg19) VCF-style: chr11-47353649-C-G.
Other names: short protein forms R1263P.
Identifiers: ClinVar variation 978307 (VCV000978307.6), dbSNP rs781180230, ClinGen allele CA380310509.
Genomic context (GRCh38, chr11:47,332,098, plus strand): 5'-CATCTCCCAGGCCCTGGCCCCGAGGGCTCCTCACCTCGCACCTCCAGGCGGCACTCACAC[C>G]GTGCCTCGCCCTGTAAGTTGGTGGCCCTGCAGACATAGATGCCCCCGTCAAAGGGGCAGG-3'
Protein context (NP_000247.2, residues 1253-1273): CRATNLQGEA[Arg1263Pro]CECRLEVRVP

ClinVar aggregate classification (germline): Uncertain significance. Review status: criteria provided, multiple submitters, no conflicts (2 of 4 stars). 4 submissions from 4 submitters: Uncertain significance (4). Last evaluated 2026-08-05.

Conditions:
Cardiovascular phenotype. Identifiers: MedGen CN230736.
Hypertrophic cardiomyopathy. Also called: HYPERTROPHIC MYOCARDIOPATHY. Identifiers: Orphanet 217569, MedGen C0007194, MeSH D002312, MONDO:0005045, HP:0001639.

gnomAD v4.1: 1 of 1,611,994 alleles (0.000062%); highest among the groups gnomAD compares: African/African-American, 0.0013%; no homozygotes.

Submissions (4):

Ambry Genetics
Classification: Uncertain significance for Cardiovascular phenotype. Last evaluated: 2026-08-05. Review status: criteria provided, single submitter. Criteria: Ambry Variant Classification Scheme 2023. Collection method: clinical testing. Allele origin: germline.
Comment: The p.R1263P variant (also known as c.3788G>C), located in coding exon 33 of the MYBPC3 gene, results from a G to C substitution at nucleotide position 3788. The arginine at codon 1263 is replaced by proline, an amino acid with dissimilar properties. This amino acid position is poorly conserved in available vertebrate species. In addition, this alteration is predicted to be tolerated by in silico analysis. Based on the available evidence, the clinical significance of this variant remains unclear.

Labcorp Genetics (formerly Invitae), Labcorp
Classification: Uncertain significance for Hypertrophic cardiomyopathy. Last evaluated: 2025-11-12. Review status: criteria provided, single submitter. Criteria: Invitae Variant Classification Sherloc (09022015). Collection method: clinical testing. Allele origin: germline.
Comment: This sequence change replaces arginine, which is basic and polar, with proline, which is neutral and non-polar, at codon 1263 of the MYBPC3 protein (p.Arg1263Pro). This variant is present in population databases (no rsID available, gnomAD 0.007%). This variant has not been reported in the literature in individuals affected with MYBPC3-related conditions. ClinVar contains an entry for this variant (Variation ID: 978307). An algorithm developed to predict the effect of missense changes on protein structure and function (PolyPhen-2) suggests that this variant is likely to be tolerated. In summary, the available evidence is currently insufficient to determine the role of this variant in disease. Therefore, it has been classified as a Variant of Uncertain Significance.

Molecular Diagnostic Laboratory for Inherited Cardiovascular Disease, Montreal Heart Institute
Classification: Uncertain significance for Cardiovascular phenotype. Last evaluated: 2025-07-24. Review status: criteria provided, single submitter. Criteria: ACMG Guidelines, 2015. Collection method: clinical testing. Allele origin: germline. Affected: yes.
Comment: PM2

Blueprint Genetics
Classification: Uncertain significance. Last evaluated: 2023-12-14. Review status: criteria provided, single submitter. Criteria: ACMG Guidelines, 2015. Collection method: clinical testing. Allele origin: germline.